The following is an entry in ClinVar:

ClinVar aggregate classification (germline): Likely benign (0 of 4 stars; one submission).

Conditions:
IQGAP3-related disorder. Also called: IQGAP3-related condition.

gnomAD v4.1: 3 of 1,605,462 alleles (0.00019%); highest among the groups gnomAD compares: Admixed American, 0.0017%; no homozygotes.

Submission:

PreventionGenetics, part of Exact Sciences
Classification: Likely benign for IQGAP3-related condition. Last evaluated: 2019-05-23. Review status: no assertion criteria provided. Collection method: clinical testing. Allele origin: germline.
Comment: This variant is classified as likely benign based on ACMG/AMP sequence variant interpretation guidelines (Richards et al. 2015 PMID: 25741868, with internal and published modifications).

NM_178229.5(IQGAP3):c.4383G>A (p.Gly1461=)

Gene: IQGAP3 (IQ motif containing GTPase activating protein 3; minus strand). Cytogenetic location: 1q22.
Variant type: single nucleotide variant.
Coding change: c.4383G>A on transcript NM_178229.5 (MANE Select); coding-DNA position 4383, G replaced by A.
Protein change: p.Gly1461=; no amino-acid change (glycine 1461 retained).
Molecular consequence: synonymous variant.
Genome position (GRCh38, 1-based): chr1:156,530,126, C>T on the plus strand (G>A on the coding strand, the complement: IQGAP3 is on the minus strand). VCF-style: chr1-156530126-C-T. GRCh37 (hg19) VCF-style: chr1-156499918-C-T.
Identifiers: ClinVar variation 3038988 (VCV003038988.2), dbSNP rs778568841, ClinGen allele CA421107463.
Genomic context (GRCh38, chr1:156,530,126, plus strand): 5'-GTACACACAGGCACACGGAGCCCAGGCCCAGGTTGTTACCTTGGCCAGCTCGTCCACTAG[C>T]CCCTGGTAGCCATTTCTGGCGCTGACCAACCCCAGGGCTTCAAGTCGGCGTAGGTTCCGC-3'
Protein context (NP_839943.3, residues 1451-1471): GLVSARNGYQ[Gly1461=]LVDELAKDIR